The following is an entry in ClinVar:

NC_000016.9:g.(?_68835563)_(68863710_?)del

Gene: CDH1 (cadherin 1; plus strand). Cytogenetic location: 16q22.1.
Variant type: Deletion.
Identifiers: ClinVar variation 1071176 (VCV001071176.6).

ClinVar aggregate classification (germline): Pathogenic (1 of 4 stars; one submission).

Conditions:
Hereditary diffuse gastric adenocarcinoma (HDGC). Also called: DIFFUSE GASTRIC AND LOBULAR BREAST CANCER SYNDROME. Identifiers: Orphanet 26106, MedGen C1708349, MONDO:0007648, OMIM 137215.

Submission:

Labcorp Genetics (formerly Invitae), Labcorp
Classification: Pathogenic for Hereditary diffuse gastric adenocarcinoma. Last evaluated: 2020-12-22. Review status: criteria provided, single submitter. Criteria: Invitae Variant Classification Sherloc (09022015). Collection method: clinical testing. Allele origin: germline.
Comment: For these reasons, this variant has been classified as Pathogenic. Loss-of-function variants in CDH1 are known to be pathogenic (PMID: 15235021, 20373070). This variant has not been reported in the literature in individuals with CDH1-related conditions. This variant is an out-of-frame deletion of the genomic region encompassing exon(s) 3-15 of the CDH1 gene. This is expected to create a premature translational stop signal and result in an absent or disrupted protein product.

Literature cited by the submitters: PubMed 15235021; PubMed 20373070.